The following is an entry in ClinVar:

ClinVar aggregate classification (germline): Pathogenic. Review status: criteria provided, multiple submitters, no conflicts (2 of 4 stars). 3 submissions from 3 submitters: Pathogenic (3). Last evaluated 2023-09-14.

Conditions:
Hereditary cancer-predisposing syndrome. Also called: Neoplastic Syndromes, Hereditary; Tumor predisposition; Hereditary Cancer Syndrome; Hereditary neoplastic syndrome. Identifiers: Orphanet 140162, MedGen C0027672, MeSH D009386, MONDO:0015356.
Familial cancer of breast. Also called: BREAST CANCER, FAMILIAL; Hereditary breast cancer; hereditary breast carcinoma. Identifiers: Orphanet 227535, MedGen C0346153, MONDO:0016419, OMIM 114480. Disease mechanism: loss of function.

Submissions (3):

Myriad Genetics, Inc.
Classification: Pathogenic for Familial cancer of breast. Last evaluated: 2023-09-14. Review status: criteria provided, single submitter. Criteria: Myriad Autosomal Dominant, Autosomal Recessive and X-Linked Classification Criteria (2023). Collection method: clinical testing. Allele origin: unknown.
Comment: This variant is considered pathogenic. This variant creates a termination codon and is predicted to result in premature protein truncation.

Ambry Genetics
Classification: Pathogenic for Hereditary cancer-predisposing syndrome. Last evaluated: 2022-07-25. Review status: criteria provided, single submitter. Criteria: Ambry Variant Classification Scheme 2023. Collection method: clinical testing. Allele origin: germline.
Comment: The c.3026_3027insA pathogenic mutation, located in coding exon 10 of the PALB2 gene, results from an insertion of one nucleotide at position 3026, causing a translational frameshift with a predicted alternate stop codon (p.E1010*). This variant is considered to be rare based on population cohorts in the Genome Aggregation Database (gnomAD). This alteration is expected to result in loss of function by premature protein truncation or nonsense-mediated mRNA decay. As such, this alteration is interpreted as a disease-causing mutation.

Color Diagnostics, LLC DBA Color Health
Classification: Pathogenic for Hereditary cancer-predisposing syndrome. Last evaluated: 2022-04-25. Review status: criteria provided, single submitter. Criteria: ACMG Guidelines, 2015. Collection method: clinical testing. Allele origin: germline.
Comment: This variant inserts 1 nucleotide in exon 10 of the PALB2 gene, creating a frameshift and premature translation stop signal. This variant is expected to result in an absent or non-functional protein product. This variant has been reported in a suspected hereditary breast and ovarian cancer family (PMID: 34359559). This variant has not been identified in the general population by the Genome Aggregation Database (gnomAD). Loss of PALB2 function is a known mechanism of disease. Based on the available evidence, this variant is classified as Pathogenic.

Literature cited by the submitters: PubMed 34359559 (cited by Color Diagnostics, LLC DBA Color Health).

NM_024675.4(PALB2):c.3026_3027insA (p.Pro1009_Glu1010insTer)

Gene: PALB2 (partner and localizer of BRCA2; minus strand). Cytogenetic location: 16p12.2.
Variant type: Insertion.
Coding change: c.3026_3027insA on transcript NM_024675.4 (MANE Select); coding-DNA positions 3026 to 3027, A inserted.
Protein change: p.Pro1009_Glu1010insTer.
Molecular consequence: frameshift variant. On other transcripts: nonsense (17).
Genome position: GRCh38 VCF-style: chr16-23621448-A-AT. GRCh37 (hg19) VCF-style: chr16-23632769-A-AT.
Other names: c.2966_2967insA, p.Glu990Terfs (NM_001407296.1); c.2954_2955insA, p.Glu986Terfs (NM_001407297.1); c.2864_2865insA, p.Glu956Terfs (NM_001407298.1, NM_001407302.1); c.3026_3027insA, p.Glu1010Terfs (NM_001407299.1, NM_001407301.1); c.2141_2142insA, p.Glu715Terfs (NM_001407304.1, NM_001407305.1, NM_001407306.1 and 4 more transcripts); c.1979_1980insA, p.Glu661Terfs (NM_001407307.1); c.1238_1239insA, p.Glu414Terfs (NM_001407312.1, NM_001407313.1); c.560_561insA, p.Glu188Terfs (NM_001407314.1).
Identifiers: ClinVar variation 1798961 (VCV001798961.5), dbSNP rs2506320174, ClinGen allele CA2580091336.